The following is an entry in ClinVar:

ClinVar aggregate classification (germline): Uncertain significance (1 of 4 stars; one submission).

gnomAD v4.1: 2 of 1,607,746 alleles (0.00012%); highest among the groups gnomAD compares: Non-Finnish European, 0.00017%; no homozygotes.

Submission:

Labcorp Genetics (formerly Invitae), Labcorp
Classification: Uncertain significance. Last evaluated: 2024-04-29. Review status: criteria provided, single submitter. Criteria: Invitae Variant Classification Sherloc (09022015). Collection method: clinical testing. Allele origin: germline.
Comment: This sequence change replaces arginine, which is basic and polar, with leucine, which is neutral and non-polar, at codon 137 of the FZD2 protein (p.Arg137Leu). This variant is present in population databases (no rsID available, gnomAD 0.0009%). This variant has not been reported in the literature in individuals affected with FZD2-related conditions. Advanced modeling of protein sequence and biophysical properties (such as structural, functional, and spatial information, amino acid conservation, physicochemical variation, residue mobility, and thermodynamic stability) performed at Invitae indicates that this missense variant is expected to disrupt FZD2 protein function with a positive predictive value of 80%. In summary, the available evidence is currently insufficient to determine the role of this variant in disease. Therefore, it has been classified as a Variant of Uncertain Significance.

NM_001466.4(FZD2):c.410G>T (p.Arg137Leu)

Gene: FZD2 (frizzled class receptor 2; plus strand). Cytogenetic location: 17q21.31.
Variant type: single nucleotide variant.
Coding change: c.410G>T on transcript NM_001466.4 (MANE Select); coding-DNA position 410, G replaced by T.
Protein change: p.Arg137Leu; replaces arginine 137 with leucine.
Molecular consequence: missense variant.
Genome position (GRCh38, 1-based): chr17:44,558,098, G>T. VCF-style: chr17-44558098-G-T. GRCh37 (hg19) VCF-style: chr17-42635466-G-T.
Other names: short protein forms R137L.
Identifiers: ClinVar variation 3608511 (VCV003608511.2).